The following is an entry in ClinVar:

ClinVar aggregate classification (germline): Benign (1 of 4 stars; one submission).

Allele frequency attached by ClinVar (database versions not stated): ExAC 0.00151; 1000 Genomes Project 0.00240; 1000 Genomes Project 30x 0.00250; ESP Exome Variant Server 0.00271; gnomAD 0.00290; TOPMed 0.00297.

Submission:

CeGaT Center for Human Genetics Tuebingen
Classification: Benign. Last evaluated: 2022-10-01. Review status: criteria provided, single submitter. Criteria: CeGaT Center For Human Genetics Tuebingen Variant Classification Criteria Version 2. Collection method: clinical testing. Allele origin: germline. Affected: yes. Observed: 1 variant allele.
Comment: VPS4A: BS1, BS2

NM_013245.3(VPS4A):c.960C>T (p.His320=)

Gene: VPS4A (vacuolar protein sorting 4 homolog A; plus strand). Cytogenetic location: 16q22.1.
Variant type: single nucleotide variant.
Coding change: c.960C>T on transcript NM_013245.3 (MANE Select); coding-DNA position 960, C replaced by T.
Protein change: p.His320=; no amino-acid change (histidine 320 retained).
Molecular consequence: synonymous variant.
Genome position (GRCh38, 1-based): chr16:69,321,159, C>T. VCF-style: chr16-69321159-C-T. GRCh37 (hg19) VCF-style: chr16-69355062-C-T.
Identifiers: ClinVar variation 2646671 (VCV002646671.24), dbSNP rs369039396, ClinGen allele CA8133300.